The following is an entry in ClinVar:

NM_052925.4(LENG8):c.1935G>A (p.Thr645=)

Gene: LENG8 (leukocyte receptor cluster member 8; plus strand). Cytogenetic location: 19q13.42.
Variant type: single nucleotide variant.
Coding change: c.1935G>A on transcript NM_052925.4 (MANE Select); coding-DNA position 1935, G replaced by A.
Protein change: p.Thr645=; no amino-acid change (threonine 645 retained).
Molecular consequence: synonymous variant.
Genome position (GRCh38, 1-based): chr19:54,458,135, G>A. VCF-style: chr19-54458135-G-A. GRCh37 (hg19) VCF-style: chr19-54969314-G-A.
Other names: c.1935G>A, p.Thr645= (NM_001375638.1, NM_001375640.1, NM_001375641.1); c.1881G>A, p.Thr627= (NM_001375639.1); c.1824G>A, p.Thr608= (NM_001411063.1).
Identifiers: ClinVar variation 3038368 (VCV003038368.2), dbSNP rs375131539, ClinGen allele CA309660618.

ClinVar aggregate classification (germline): Likely benign (0 of 4 stars; one submission).

Conditions:
LENG8-related disorder. Also called: LENG8-related condition.

Allele frequency attached by ClinVar (database versions not stated): ExAC 0.00004; TOPMed 0.00005; ESP Exome Variant Server 0.00008.
gnomAD v4.1: 127 of 1,613,908 alleles (0.0079%); highest among the groups gnomAD compares: East Asian, 0.018%; no homozygotes.

Submission:

PreventionGenetics, part of Exact Sciences
Classification: Likely benign for LENG8-related condition. Last evaluated: 2019-05-02. Review status: no assertion criteria provided. Collection method: clinical testing. Allele origin: germline.
Comment: This variant is classified as likely benign based on ACMG/AMP sequence variant interpretation guidelines (Richards et al. 2015 PMID: 25741868, with internal and published modifications).